The following is an entry in ClinVar:

NM_032638.5(GATA2):c.145T>G (p.Phe49Val)

Gene: GATA2 (GATA binding protein 2; minus strand). Cytogenetic location: 3q21.3.
Variant type: single nucleotide variant.
Coding change: c.145T>G on transcript NM_032638.5 (MANE Select); coding-DNA position 145, T replaced by G.
Protein change: p.Phe49Val; replaces phenylalanine 49 with valine.
Molecular consequence: missense variant.
Genome position (GRCh38, 1-based): chr3:128,486,887, A>C on the plus strand (T>G on the coding strand, the complement: GATA2 is on the minus strand). VCF-style: chr3-128486887-A-C. GRCh37 (hg19) VCF-style: chr3-128205730-A-C.
Other names: c.145T>G, p.Phe49Val (NM_001145661.2, NM_001145662.1); short protein forms F49V.
Identifiers: ClinVar variation 4824115 (VCV004824115.1).

ClinVar aggregate classification (germline): Uncertain significance (1 of 4 stars; one submission).

Conditions:
Inborn genetic diseases. Identifiers: MedGen C0950123, MeSH D030342.

Submission:

Ambry Genetics
Classification: Uncertain significance for Inborn genetic diseases. Last evaluated: 2026-02-16. Review status: criteria provided, single submitter. Criteria: Ambry Variant Classification Scheme 2023. Collection method: clinical testing. Allele origin: germline.
Comment: The p.F49V variant (also known as c.145T>G), located in coding exon 1 of the GATA2 gene, results from a T to G substitution at nucleotide position 145. The phenylalanine at codon 49 is replaced by valine, an amino acid with highly similar properties. This amino acid position is conserved. In addition, this alteration is predicted to be deleterious by in silico analysis. Based on the available evidence, the clinical significance of this variant remains unclear.